The following is an entry in ClinVar:

ClinVar aggregate classification (germline): Conflicting classifications of pathogenicity. Review status: criteria provided, conflicting classifications (1 of 4 stars). 12 submissions from 12 submitters: Likely pathogenic (1); Benign (2); Likely benign (8). 1 of the submissions does not count toward it. Last evaluated 2026-02-02.

Conditions:
PMP22-related disorder. Also called: PMP22-related condition; PMP22-related disorders.
Charcot-Marie-Tooth disease. Also called: Charcot-Marie-Tooth Hereditary Neuropathy; Charcot-Marie-Tooth Neuropathy. Identifiers: Orphanet 166, MedGen C0007959, MONDO:0015626.
Charcot-Marie-Tooth disease, type I (CMT1). Also called: Charcot-Marie-Tooth disease type 1; Charcot-Marie-Tooth, Type 1. Identifiers: Orphanet 65753, MedGen C0751036, MONDO:0019011.
Hereditary liability to pressure palsies (HNPP). Also called: POLYNEUROPATHY, FAMILIAL RECURRENT; TOMACULOUS NEUROPATHY; Hereditary Neuropathy with Liability to Pressure Palsies. Identifiers: Orphanet 640, MedGen C0393814, MONDO:0008087, OMIM 162500.
Tip-toe gait. Also called: Toe walking. Identifiers: MedGen C0427144, HP:0030051.

Allele frequency attached by ClinVar (database versions not stated): ExAC 0.00074; 1000 Genomes Project 30x 0.00078; 1000 Genomes Project 0.00080; TOPMed 0.00097; gnomAD exomes 0.00099; ESP Exome Variant Server 0.00100; gnomAD 0.00108 and 0.00111.
gnomAD v4.1: 2,231 of 1,596,788 alleles (0.14%); highest among the groups gnomAD compares: Admixed American, 0.21%; 6 homozygotes.

Submissions (12):

Labcorp Genetics (formerly Invitae), Labcorp
Classification: Likely benign for Charcot-Marie-Tooth disease, type I. Last evaluated: 2026-02-02. Review status: criteria provided, single submitter. Criteria: Invitae Variant Classification Sherloc (09022015). Collection method: clinical testing. Allele origin: germline.

CeGaT Center for Human Genetics Tuebingen
Classification: Likely benign. Last evaluated: 2025-10-01. Review status: criteria provided, single submitter. Criteria: CeGaT Center For Human Genetics Tuebingen Variant Classification Criteria Version 2. Collection method: clinical testing. Allele origin: germline. Affected: yes. Observed: 6 variant alleles.
Comment: PMP22: BP4, BS2

Athena Diagnostics
Classification: Benign. Last evaluated: 2025-09-11. Review status: criteria provided, single submitter. Criteria: Athena Diagnostics Criteria. Collection method: clinical testing. Allele origin: unknown.
Comment: The frequency of this variant in the general population is higher than would generally be expected for pathogenic variants in this gene.

Mayo Clinic Laboratories, Mayo Clinic
Classification: Likely benign. Last evaluated: 2025-08-04. Review status: criteria provided, single submitter. Criteria: ACMG Guidelines, 2015. Collection method: clinical testing. Allele origin: germline. Observed: 8 variant alleles.
Comment: BP4, BP7

ARUP Laboratories, Molecular Genetics and Genomics, ARUP Laboratories
Classification: Likely benign. Last evaluated: 2025-04-01. Review status: criteria provided, single submitter. Criteria: ARUP Molecular Germline Variant Investigation Process 2024. Collection method: clinical testing. Allele origin: germline.

Blueprint Genetics
Classification: Likely benign. Last evaluated: 2024-11-21. Review status: criteria provided, single submitter. Criteria: ACMG Guidelines, 2015. Collection method: clinical testing. Allele origin: germline.

Women's Health and Genetics/Laboratory Corporation of America, LabCorp
Classification: Likely benign. Last evaluated: 2023-07-17. Review status: criteria provided, single submitter. Criteria: LabCorp Variant Classification Summary - May 2015. Collection method: clinical testing. Allele origin: germline.
Comment: Variant summary: PMP22 c.178+7C>A alters a non-conserved nucleotide located close to a canonical splice site and therefore could affect mRNA splicing, leading to a significantly altered protein sequence. 4/4 computational tools predict no significant impact on normal splicing. However, these predictions have yet to be confirmed by functional studies. The variant allele was found at a frequency of 0.0011 in 150980 control chromosomes, predominantly at a frequency of 0.0024 within the Latino subpopulation in the gnomAD database (v3.1), including 1 homozygote, suggesting that the variant is likely a benign polymorphism. To our knowledge, no occurrence of c.178+7C>A in individuals affected with PMP22-Related Disorders and no experimental evidence demonstrating its impact on protein function have been reported. Seven submitters have cited clinical-significance assessments for this variant to ClinVar after 2014 with conflicting assessments. The majority classified the variant as benign (n=2)/likely benign (n=3), and others classified it as either VUS (n=1) or likely pathogenic (n=1). Based on the evidence outlined above, the variant was classified as likely benign.

Practice for Gait Abnormalities, David Pomarino, Competency Network Toe Walking C/o Practice Pomarino
Classification: Likely pathogenic for Tip-toe gait. Last evaluated: 2019-05-05. Review status: criteria provided, single submitter. Criteria: ACMG Guidelines, 2015. Collection method: clinical testing. Allele origin: unknown. Affected: yes.
Comment: Hereditary motor sensory neuropathy (HMSN), also known as Charcot-Marie-Tooth Disease (CMT), is the most commonly inherited peripheral polyneuropathy. It constitutes a group of inherited, progressive, motor and sensory peripheral nerve disorders with properties of demyelination, axonal degeneration, or both. It is classified by clinical characteristics, modes of inheritance, electrophysiologic features, metabolic defects, and specific gene markers. Our patients all walk on tiptoe, so they show similar symptoms. When we genetically test them with our toe walking panel, we find that around 90 per cent of them have a genetic variant that explains their toe walking. These can be assigned, for example, to the area of myopathies (such as variants of the COL6A3 gene), the area of hereditary neuropathies (such as variants of the KMT2C gene) or the area of metabolic diseases (such as variants of the PYGM gene). In a smaller group of patients with almost identical symptoms, no abnormality is found in the genes of our panel, but spastic paraplegia can be detected. In another small group of our toe walkers, no abnormalities can be detected in the genes analysed in our toe walking panel, nor do they suffer from spastic paraplegia, as is also the case with healthy children. In contrast to these, however, they show a tiptoe gait. These patients suffer from infantile cerebral palsy, in which toe walking can also be observed.

GeneDx
Classification: Likely benign. Last evaluated: 2018-03-15. Review status: criteria provided, single submitter. Criteria: GeneDx Variant Classification (06012015). Collection method: clinical testing. Allele origin: germline. Affected: yes.
Comment: This variant is considered likely benign or benign based on one or more of the following criteria: it is a conservative change, it occurs at a poorly conserved position in the protein, it is predicted to be benign by multiple in silico algorithms, and/or has population frequency not consistent with disease.

Illumina Laboratory Services, Illumina
Classification: Benign for Hereditary liability to pressure palsies. Last evaluated: 2017-04-28. Review status: criteria provided, single submitter. Criteria: ICSL Variant Classification Criteria 13 December 2019. Collection method: clinical testing. Allele origin: germline.
Comment: This variant was observed as part of a predisposition screen in an ostensibly healthy population. A literature search was performed for the gene, cDNA change, and amino acid change (where applicable). No publications were found based on this search. Allele frequency data from public databases was too high to be consistent with this variant causing disease. Therefore, this variant is classified as benign.

Molecular Genetics Laboratory, London Health Sciences Centre
Classification: Likely benign for Charcot-Marie-Tooth disease. Review status: criteria provided, single submitter. Criteria: ACMG Guidelines, 2015. Collection method: clinical testing. Allele origin: germline. Affected: yes.

PreventionGenetics, part of Exact Sciences
Classification: Likely benign for PMP22-related condition. Last evaluated: 2019-11-05. Review status: no assertion criteria provided. Collection method: clinical testing. Allele origin: germline. Not counted in ClinVar's aggregate classification.
Comment: This variant is classified as likely benign based on ACMG/AMP sequence variant interpretation guidelines (Richards et al. 2015 PMID: 25741868, with internal and published modifications).

Literature cited by the submitters: PubMed 37091313 (cited by Athena Diagnostics and Practice for Gait Abnormalities, David Pomarino, Competency Network Toe Walking C/o Practice Pomarino).

NM_000304.4(PMP22):c.178+7C>A

Gene: PMP22 (peripheral myelin protein 22; minus strand). Cytogenetic location: 17p12.
Variant type: single nucleotide variant.
Coding change: c.178+7C>A on transcript NM_000304.4 (MANE Select); 7 bases into the intron after coding-DNA position 178, C replaced by A.
Molecular consequence: intron variant.
Genome position (GRCh38, 1-based): chr17:15,259,087, G>T on the plus strand (C>A on the coding strand, the complement: PMP22 is on the minus strand). VCF-style: chr17-15259087-G-T. GRCh37 (hg19) VCF-style: chr17-15162404-G-T.
Other names: p.?; c.178+7C>A (NM_153322.3, NM_001281456.2, NM_153321.3 and 2 more transcripts).
Identifiers: ClinVar variation 416789 (VCV000416789.67), dbSNP rs147885521, ClinGen allele CA8403414.